The following is an entry in ClinVar:

ClinVar aggregate classification (germline): Uncertain significance (1 of 4 stars; one submission).

Submission:

GeneDx
Classification: Uncertain significance. Last evaluated: 2024-12-08. Review status: criteria provided, single submitter. Criteria: GeneDx Variant Classification Process June 2021. Collection method: clinical testing. Allele origin: germline. Affected: yes.
Comment: Not observed at significant frequency in large population cohorts (gnomAD); In silico analysis supports that this missense variant has a deleterious effect on protein structure/function; Has not been previously published as pathogenic or benign to our knowledge

NM_012479.4(YWHAG):c.707A>T (p.Asp236Val)

Gene: YWHAG (tyrosine 3-monooxygenase/tryptophan 5-monooxygenase activation protein gamma; minus strand). Cytogenetic location: 7q11.23.
Variant type: single nucleotide variant.
Coding change: c.707A>T on transcript NM_012479.4 (MANE Select); coding-DNA position 707, A replaced by T.
Protein change: p.Asp236Val; replaces aspartic acid 236 with valine.
Molecular consequence: missense variant.
Genome position (GRCh38, 1-based): chr7:76,329,614, T>A on the plus strand (A>T on the coding strand, the complement: YWHAG is on the minus strand). VCF-style: chr7-76329614-T-A. GRCh37 (hg19) VCF-style: chr7-75958931-T-A.
Other names: short protein forms D236V.
Identifiers: ClinVar variation 3901452 (VCV003901452.1).